The following is an entry in ClinVar:

NM_000170.3(GLDC):c.1679T>C (p.Met560Thr)

Gene: GLDC (glycine decarboxylase; minus strand). Cytogenetic location: 9p24.1.
Variant type: single nucleotide variant.
Coding change: c.1679T>C on transcript NM_000170.3 (MANE Select); coding-DNA position 1679, T replaced by C.
Protein change: p.Met560Thr; replaces methionine 560 with threonine.
Molecular consequence: missense variant.
Genome position (GRCh38, 1-based): chr9:6,588,429, A>G on the plus strand (T>C on the coding strand, the complement: GLDC is on the minus strand). VCF-style: chr9-6588429-A-G. GRCh37 (hg19) VCF-style: chr9-6588429-A-G.
Other names: short protein forms M560T.
Identifiers: ClinVar variation 651069 (VCV000651069.12), dbSNP rs1366947118, ClinGen allele CA372892294.

ClinVar aggregate classification (germline): Pathogenic. Review status: criteria provided, single submitter (1 of 4 stars). 2 submissions from 2 submitters: Pathogenic (1). 1 of the submissions does not count toward it. Last evaluated 2022-08-15.

Conditions:
Glycine encephalopathy. Also called: Non-ketotic hyperglycinemia; Nonketotic hyperglycinemia. Identifiers: Orphanet 407, MedGen C0751748, MONDO:0011612, HP:0008288.

Allele frequency attached by ClinVar (database versions not stated): gnomAD exomes below 0.00001; TOPMed below 0.00001; gnomAD 0.00001.
gnomAD v4.1: 2 of 1,612,010 alleles (0.00012%); highest among the groups gnomAD compares: Non-Finnish European, 0.00017%; no homozygotes.

Submissions (2):

Labcorp Genetics (formerly Invitae), Labcorp
Classification: Pathogenic for Glycine encephalopathy. Last evaluated: 2022-08-15. Review status: criteria provided, single submitter. Criteria: Invitae Variant Classification Sherloc (09022015). Collection method: clinical testing. Allele origin: germline.
Comment: Advanced modeling of protein sequence and biophysical properties (such as structural, functional, and spatial information, amino acid conservation, physicochemical variation, residue mobility, and thermodynamic stability) performed at Invitae indicates that this missense variant is expected to disrupt GLDC protein function. This variant disrupts the p.Met560 amino acid residue in GLDC. Other variant(s) that disrupt this residue have been determined to be pathogenic (PMID: 26179960; Invitae). This suggests that this residue is clinically significant, and that variants that disrupt this residue are likely to be disease-causing. For these reasons, this variant has been classified as Pathogenic. This variant is not present in population databases (gnomAD no frequency). This sequence change replaces methionine, which is neutral and non-polar, with threonine, which is neutral and polar, at codon 560 of the GLDC protein (p.Met560Thr). This missense change has been observed in individual(s) with clinical features of glycine encephalopathy (Invitae). In at least one individual the data is consistent with being in trans (on the opposite chromosome) from a pathogenic variant. ClinVar contains an entry for this variant (Variation ID: 651069).

Natera, Inc.
Classification: Uncertain significance for Non-ketotic hyperglycinemia. Last evaluated: 2025-01-14. Review status: no assertion criteria provided. Collection method: clinical testing. Allele origin: germline. Not counted in ClinVar's aggregate classification.

Literature cited by the submitters: PubMed 26179960 (cited by Labcorp Genetics (formerly Invitae), Labcorp).